The following is an entry in ClinVar:

ClinVar aggregate classification (germline): Uncertain significance (1 of 4 stars; one submission).

gnomAD v4.1: 16 of 1,612,648 alleles (0.00099%); highest among the groups gnomAD compares: Middle Eastern, 0.016%; no homozygotes.

Submission:

Women's Health and Genetics/Laboratory Corporation of America, LabCorp
Classification: Uncertain significance. Last evaluated: 2025-09-04. Review status: criteria provided, single submitter. Criteria: LabCorp Variant Classification Summary - May 2015. Collection method: clinical testing. Allele origin: germline.
Comment: Variant summary: NOTCH3 c.475G>A (p.Val159Met) results in a conservative amino acid change in the encoded protein sequence. Algorithms developed to predict the effect of missense changes on protein structure and function are either unavailable or do not agree on the potential impact of this missense change. The variant allele was found at a frequency of 3.2e-05 in 246456 control chromosomes. The available data on variant occurrences in the general population are insufficient to allow any conclusion about variant significance. To our knowledge, no occurrence of c.475G>A in individuals affected with NOTCH3-related conditions and no experimental evidence demonstrating its impact on protein function have been reported. No submitters have cited clinical-significance assessments for this variant to ClinVar. Based on the evidence outlined above, the variant was classified as uncertain significance.

NM_000435.3(NOTCH3):c.475G>A (p.Val159Met)

Gene: NOTCH3 (notch receptor 3; minus strand). Cytogenetic location: 19p13.12.
Variant type: single nucleotide variant.
Coding change: c.475G>A on transcript NM_000435.3 (MANE Select); coding-DNA position 475, G replaced by A.
Protein change: p.Val159Met; replaces valine 159 with methionine.
Molecular consequence: missense variant.
Genome position (GRCh38, 1-based): chr19:15,192,164, C>T on the plus strand (G>A on the coding strand, the complement: NOTCH3 is on the minus strand). VCF-style: chr19-15192164-C-T. GRCh37 (hg19) VCF-style: chr19-15302975-C-T.
Other names: short protein forms V159M.
Identifiers: ClinVar variation 4535797 (VCV004535797.1).